The following is an entry in ClinVar:

ClinVar aggregate classification (germline): Uncertain significance (1 of 4 stars; one submission).

Submission:

Mayo Clinic Laboratories, Mayo Clinic
Classification: Uncertain significance. Last evaluated: 2023-05-04. Review status: criteria provided, single submitter. Criteria: ACMG Guidelines, 2015. Collection method: clinical testing. Allele origin: germline. Observed: 1 variant allele.
Comment: BP4, PM2

NM_182961.4(SYNE1):c.12466A>G (p.Met4156Val)

Gene: SYNE1 (spectrin repeat containing nuclear envelope protein 1; minus strand). Cytogenetic location: 6q25.2.
Variant type: single nucleotide variant.
Coding change: c.12466A>G on transcript NM_182961.4 (MANE Select); coding-DNA position 12466, A replaced by G.
Protein change: p.Met4156Val; replaces methionine 4156 with valine.
Molecular consequence: missense variant.
Genome position (GRCh38, 1-based): chr6:152,336,903, T>C on the plus strand (A>G on the coding strand, the complement: SYNE1 is on the minus strand). VCF-style: chr6-152336903-T-C. GRCh37 (hg19) VCF-style: chr6-152658038-T-C.
Other names: p.Met4085Val; c.12253A>G, p.Met4085Val (NM_033071.5); short protein forms M4085V, M4156V.
Identifiers: ClinVar variation 2682960 (VCV002682960.1), dbSNP rs1339864208, ClinGen allele CA366108414.
Genomic context (GRCh38, chr6:152,336,903, plus strand): 5'-TAACTTGTGAAACCATGTTCTGTGCAATGTTCAGCTCCAGCTCAGAGTGCCTCCTCTTCA[T>C]GTTCTGCAGTTGCTGATCAGCATCTTGCAGGTAAATCCAGAGCTCAGACTTCAGGTGCTT-3'
Protein context (NP_892006.3, residues 4146-4166): LQDADQQLQN[Met4156Val]KRRHSELELN